The following is an entry in ClinVar:

NC_000016.9:g.(?_15802658)_(15802708_?)del

Genes: MYH11 (myosin heavy chain 11; minus strand), NDE1 (nudE neurodevelopment protein 1; plus strand). Cytogenetic location: 16p13.11.
Variant type: Deletion.
Identifiers: ClinVar variation 1440377 (VCV001440377.6).

ClinVar aggregate classification (germline): Uncertain significance (1 of 4 stars; one submission).

Conditions:
Aortic aneurysm, familial thoracic 4 (AAT4). Also called: AORTIC ANEURYSM/AORTIC DISSECTION AND PATENT DUCTUS ARTERIOSUS. Identifiers: MedGen C1851504, MONDO:0007568, OMIM 132900.

Submission:

Labcorp Genetics (formerly Invitae), Labcorp
Classification: Uncertain significance for Aortic aneurysm, familial thoracic 4. Last evaluated: 2021-01-01. Review status: criteria provided, single submitter. Criteria: Invitae Variant Classification Sherloc (09022015). Collection method: clinical testing. Allele origin: germline.
Comment: In summary, the available evidence is currently insufficient to determine the role of this variant in disease. Therefore, it has been classified as a Variant of Uncertain Significance. Experimental studies and prediction algorithms are not available or were not evaluated, and the functional significance of this variant is currently unknown. This variant has not been reported in the literature in individuals with MYH11-related conditions. This variant is a gross deletion of the genomic region encompassing exon(s) 42 of the MYH11 gene. The 5' boundary is likely confined to intron 41. The 3' end of this event is unknown as it extends through the termination codon beyond the assayed region for this gene and may encompass additional genes. While this deletion is not anticipated to lead to nonsense mediated decay, it is expected to alter mRNA translation or result in a truncated protein product.